The following is an entry in ClinVar:

ClinVar aggregate classification (germline): Uncertain significance (1 of 4 stars; one submission).

Submission:

Labcorp Genetics (formerly Invitae), Labcorp
Classification: Uncertain significance. Last evaluated: 2024-04-10. Review status: criteria provided, single submitter. Criteria: Invitae Variant Classification Sherloc (09022015). Collection method: clinical testing. Allele origin: germline.
Comment: This sequence change creates a premature translational stop signal (p.Pro11Leufs*5) in the UCP2 gene. It is expected to result in an absent or disrupted protein product. However, the current clinical and genetic evidence is not sufficient to establish whether loss-of-function variants in UCP2 cause disease. This variant is not present in population databases (gnomAD no frequency). This variant has not been reported in the literature in individuals affected with UCP2-related conditions. In summary, the available evidence is currently insufficient to determine the role of this variant in disease. Therefore, it has been classified as a Variant of Uncertain Significance.

NM_003355.3(UCP2):c.32del (p.Pro11fs)

Gene: UCP2 (uncoupling protein 2; minus strand). Cytogenetic location: 11q13.4.
Variant type: Deletion.
Coding change: c.32del on transcript NM_003355.3 (MANE Select); coding-DNA position 32, one base deleted (C; older notation c.32delC).
Protein change: p.Pro11fs; shifts the reading frame from proline 11.
Molecular consequence: frameshift variant.
Genome position (GRCh38, 1-based): chr11:73,978,347, G deleted on the plus strand (C on the coding strand, the reverse complement: UCP2 is on the minus strand); the first of 5 consecutive G bases (chr11:73,978,347-73,978,351); deleting any one gives the same sequence. VCF-style (leftmost placement, unchanged base first): chr11-73978346-AG-A. GRCh37 (hg19) VCF-style: chr11-73689391-AG-A.
Other names: c.32del, p.Pro11fs (NM_001381943.1, NM_001381944.1, NM_001381945.1 and 4 more transcripts); short protein forms P11fs.
Identifiers: ClinVar variation 3675661 (VCV003675661.2).